The following is an entry in ClinVar:

NM_001378452.1(ITPR1):c.7226T>A (p.Ile2409Asn)

Gene: ITPR1 (inositol 1,4,5-trisphosphate receptor type 1; plus strand). Cytogenetic location: 3p26.1.
Variant type: single nucleotide variant.
Coding change: c.7226T>A on transcript NM_001378452.1 (MANE Select); coding-DNA position 7226, T replaced by A.
Protein change: p.Ile2409Asn; replaces isoleucine 2409 with asparagine.
Molecular consequence: missense variant.
Genome position (GRCh38, 1-based): chr3:4,806,221, T>A. VCF-style: chr3-4806221-T-A. GRCh37 (hg19) VCF-style: chr3-4847905-T-A.
Other names: c.7082T>A, p.Ile2361Asn (NM_001099952.4); c.7181T>A, p.Ile2394Asn (NM_001168272.2); c.7037T>A, p.Ile2346Asn (NM_002222.7); short protein forms I2409N, I2346N, I2361N, I2394N.
Identifiers: ClinVar variation 3001499 (VCV003001499.3), dbSNP rs1258225056, ClinGen allele CA351645783.

ClinVar aggregate classification (germline): Uncertain significance (1 of 4 stars; one submission).

Allele frequency attached by ClinVar (database versions not stated): gnomAD exomes below 0.00001.
gnomAD v4.1: 1 of 1,614,050 alleles (0.000062%); highest among the groups gnomAD compares: Admixed American, 0.0017%; no homozygotes.

Submission:

Labcorp Genetics (formerly Invitae), Labcorp
Classification: Uncertain significance. Last evaluated: 2023-01-19. Review status: criteria provided, single submitter. Criteria: Invitae Variant Classification Sherloc (09022015). Collection method: clinical testing. Allele origin: germline.
Comment: In summary, the available evidence is currently insufficient to determine the role of this variant in disease. Therefore, it has been classified as a Variant of Uncertain Significance. Advanced modeling of protein sequence and biophysical properties (such as structural, functional, and spatial information, amino acid conservation, physicochemical variation, residue mobility, and thermodynamic stability) has been performed at Invitae for this missense variant, however the output from this modeling did not meet the statistical confidence thresholds required to predict the impact of this variant on ITPR1 protein function. This variant has not been reported in the literature in individuals affected with ITPR1-related conditions. This variant is present in population databases (no rsID available, gnomAD 0.006%). This sequence change replaces isoleucine, which is neutral and non-polar, with asparagine, which is neutral and polar, at codon 2346 of the ITPR1 protein (p.Ile2346Asn).